The following is an entry in ClinVar:

ClinVar aggregate classification (germline): Pathogenic (1 of 4 stars; one submission).

Conditions:
Joubert syndrome. Also called: CEREBELLOPARENCHYMAL DISORDER IV; JOUBERT-BOLTSHAUSER SYNDROME; Familial aplasia of the vermis. Identifiers: Orphanet 475, MedGen C5979921, MONDO:0018772.

Submission:

Labcorp Genetics (formerly Invitae), Labcorp
Classification: Pathogenic for Joubert syndrome. Last evaluated: 2023-12-27. Review status: criteria provided, single submitter. Criteria: Invitae Variant Classification Sherloc (09022015). Collection method: clinical testing. Allele origin: germline.
Comment: This sequence change inserts a large fragment of DNA, likely a transposable element, in exon 2 of the TMEM216 gene (c.77_78ins?), causing a frameshift at codon 20 (p.Leu20fs). The exact size and sequence of the insertion cannot be determined by the current assay. However, the insertion is expected to result in an absent or disrupted protein product. This variant is not present in population databases (gnomAD no frequency). This variant has not been reported in the literature in individuals affected with TMEM216-related conditions. Retrotransposon insertions including LINE1 (L1), Alu, and SVA (SINE-VNTR-Alu) have been reported to be disease-causing through disruption of either a coding region or splice site (PMID: 19763152, 20307669, 22406018) and loss-of-function variants in TMEM216 are known to be pathogenic (PMID: 20512146). For these reasons, this variant has been classified as Pathogenic.

Literature cited by the submitters: PubMed 19763152; PubMed 20307669; PubMed 22406018; PubMed 20512146.

NM_001173990.3(TMEM216):c.77_78insTTTTTTTTTTTTTTTTTTTTNNNNNNNNNNCCTCGTGATCCGCCCGCCTCGGCCTCCCAAAGTGCTGGGATTACAGGCGTGAGCCACCGCGCCCGGCCGGAAATCCTGTTCTTTCT (p.Leu26_Asn27insPhePhePhePhePhePheXaaXaaXaaXaaLeuValIleArgProProArgProProLysValLeuGlyLeuGlnAlaTer)

Gene: TMEM216 (transmembrane protein 216; plus strand). Cytogenetic location: 11q12.2.
Variant type: Insertion.
Coding change: c.77_78insTTTTTTTTTTTTTTTTTTTTNNNNNNNNNNCCTCGTGATCCGCCCGCCTCGGCCTCCCAAAGTGCTGGGATTACAGGCGTGAGCCACCGCGCCCGGCCGGAAATCCTGTTCTTTCT on transcript NM_001173990.3 (MANE Select); coding-DNA positions 77 to 78, TTTTTTTTTTTTTTTTTTTTNNNNNNNNNNCCTCGTGATCCGCCCGCCTCGGCCTCCCAAAGTGCTGGGATTACAGGCGTGAGCCACCGCGCCCGGCCGGAAATCCTGTTCTTTCT inserted.
Protein change: p.Leu26_Asn27insPhePhePhePhePhePheXaaXaaXaaXaaLeuValIleArgProProArgProProLysValLeuGlyLeuGlnAlaTer.
Molecular consequence: nonsense, inframe insertion. On other transcripts: 5 prime UTR variant (2).
Genome position: GRCh38: chr11:61,393,273-61,393,274. GRCh37 (hg19): chr11:61,160,745-61,160,746.
Other names: c.77_78insTTTTTTTTTTTTTTTTTTTTNNNNNNNNNNCCTCGTGATCCGCCCGCCTCGGCCTCCCAAAGTGCTGGGATTACAGGCGTGAGCCACCGCGCCCGGCCGGAAATCCTGTTCTTTCT, p.Leu26_Asn27insPhePhePhePhePhePheXaaXaaXaaXaaLeuValIleArgProProArgProProLysValLeuGlyLeuGlnAlaTer (NM_001173991.3); c.-107_-106insTTTTTTTTTTTTTTTTTTTTNNNNNNNNNNCCTCGTGATCCGCCCGCCTCGGCCTCCCAAAGTGCTGGGATTACAGGCGTGAGCCACCGCGCCCGGCCGGAAATCCTGTTCTTTCT (NM_001330285.2, NM_016499.6).
Identifiers: ClinVar variation 2705827 (VCV002705827.3), dbSNP rs2539891609.